The following is an entry in ClinVar:

ClinVar aggregate classification (germline): Uncertain significance (1 of 4 stars; one submission).

gnomAD v4.1: 1 of 1,211,127 alleles (0.000083%); highest among the groups gnomAD compares: East Asian, 0.003%; no homozygotes.

Submission:

Labcorp Genetics (formerly Invitae), Labcorp
Classification: Uncertain significance. Last evaluated: 2024-11-22. Review status: criteria provided, single submitter. Criteria: Invitae Variant Classification Sherloc (09022015). Collection method: clinical testing. Allele origin: germline.
Comment: This sequence change replaces proline, which is neutral and non-polar, with threonine, which is neutral and polar, at codon 503 of the FRMD7 protein (p.Pro503Thr). This variant is not present in population databases (gnomAD no frequency). This variant has not been reported in the literature in individuals affected with FRMD7-related conditions. An algorithm developed to predict the effect of missense changes on protein structure and function (PolyPhen-2) suggests that this variant is likely to be tolerated. In summary, the available evidence is currently insufficient to determine the role of this variant in disease. Therefore, it has been classified as a Variant of Uncertain Significance.

NM_194277.3(FRMD7):c.1507C>A (p.Pro503Thr)

Gene: FRMD7 (FERM domain containing 7; minus strand). Cytogenetic location: Xq26.2.
Variant type: single nucleotide variant.
Coding change: c.1507C>A on transcript NM_194277.3 (MANE Select); coding-DNA position 1507, C replaced by A.
Protein change: p.Pro503Thr; replaces proline 503 with threonine.
Molecular consequence: missense variant.
Genome position (GRCh38, 1-based): chrX:132,078,510, G>T on the plus strand (C>A on the coding strand, the complement: FRMD7 is on the minus strand). VCF-style: chrX-132078510-G-T. GRCh37 (hg19) VCF-style: chrX-131212538-G-T.
Other names: c.1462C>A, p.Pro488Thr (NM_001306193.2); short protein forms P488T, P503T.
Identifiers: ClinVar variation 3604699 (VCV003604699.2).